The following is an entry in ClinVar:

ClinVar aggregate classification (germline): Uncertain significance (1 of 4 stars; one submission).

Submission:

Labcorp Genetics (formerly Invitae), Labcorp
Classification: Uncertain significance. Last evaluated: 2024-07-21. Review status: criteria provided, single submitter. Criteria: Invitae Variant Classification Sherloc (09022015). Collection method: clinical testing. Allele origin: germline.
Comment: This sequence change replaces serine, which is neutral and polar, with asparagine, which is neutral and polar, at codon 1059 of the AMER1 protein (p.Ser1059Asn). This variant is not present in population databases (gnomAD no frequency). This variant has not been reported in the literature in individuals affected with AMER1-related conditions. An algorithm developed to predict the effect of missense changes on protein structure and function outputs the following: PolyPhen-2: "Benign". The asparagine amino acid residue is found in multiple mammalian species, which suggests that this missense change does not adversely affect protein function. In summary, the available evidence is currently insufficient to determine the role of this variant in disease. Therefore, it has been classified as a Variant of Uncertain Significance.

NM_152424.4(AMER1):c.3176G>A (p.Ser1059Asn)

Gene: AMER1 (APC membrane recruitment protein 1; minus strand). Cytogenetic location: Xq11.2.
Variant type: single nucleotide variant.
Coding change: c.3176G>A on transcript NM_152424.4 (MANE Select); coding-DNA position 3176, G replaced by A.
Protein change: p.Ser1059Asn; replaces serine 1059 with asparagine.
Molecular consequence: missense variant.
Genome position (GRCh38, 1-based): chrX:64,190,111, C>T on the plus strand (G>A on the coding strand, the complement: AMER1 is on the minus strand). VCF-style: chrX-64190111-C-T. GRCh37 (hg19) VCF-style: chrX-63409991-C-T.
Other names: short protein forms S1059N.
Identifiers: ClinVar variation 2805786 (VCV002805786.3), dbSNP rs2147084356, ClinGen allele CA413301364.